The following is an entry in ClinVar:

ClinVar aggregate classification (germline): Uncertain significance. Review status: criteria provided, multiple submitters, no conflicts (2 of 4 stars). 4 submissions from 3 submitters: Uncertain significance (4). Last evaluated 2022-11-30.

Conditions:
Leigh syndrome (NULS). Also called: Leigh's necrotizing encephalopathy; Leigh's disease; Leigh Syndrome (mtDNA deletion); Leigh's syndrome; Subacute necrotizing encephalopathy; Necrotizing encephalopathy infantile subacute of Leigh. Identifiers: Orphanet 506, MedGen C2931891, MONDO:0009723, OMIM 256000.
Mitochondrial complex I deficiency, nuclear type 1. Also called: NADH-COENZYME Q REDUCTASE DEFICIENCY; MITOCHONDRIAL NADH DEHYDROGENASE COMPONENT OF COMPLEX I, DEFICIENCY OF. Identifiers: MedGen C6022305, MONDO:0100224, OMIM 252010.

Allele frequency attached by ClinVar (database versions not stated): gnomAD 0.00001 and 0.00003; TOPMed 0.00001.
gnomAD v4.1: 102 of 1,614,088 alleles (0.0063%); highest among the groups gnomAD compares: South Asian, 0.035%; no homozygotes.

Submissions (4):

Blueprint Genetics
Classification: Uncertain significance. Last evaluated: 2022-11-30. Review status: criteria provided, single submitter. Criteria: ACMG Guidelines, 2015. Collection method: clinical testing. Allele origin: germline.

Labcorp Genetics (formerly Invitae), Labcorp
Classification: Uncertain significance. Last evaluated: 2022-05-26. Review status: criteria provided, single submitter. Criteria: Invitae Variant Classification Sherloc (09022015). Collection method: clinical testing. Allele origin: germline.
Comment: This sequence change replaces serine, which is neutral and polar, with leucine, which is neutral and non-polar, at codon 34 of the NDUFV1 protein (p.Ser34Leu). This variant is present in population databases (rs201727252, gnomAD 0.04%). This variant has not been reported in the literature in individuals affected with NDUFV1-related conditions. ClinVar contains an entry for this variant (Variation ID: 878347). Advanced modeling of protein sequence and biophysical properties (such as structural, functional, and spatial information, amino acid conservation, physicochemical variation, residue mobility, and thermodynamic stability) performed at Invitae indicates that this missense variant is not expected to disrupt NDUFV1 protein function. In summary, the available evidence is currently insufficient to determine the role of this variant in disease. Therefore, it has been classified as a Variant of Uncertain Significance.

Illumina Laboratory Services, Illumina
Classification: Uncertain significance for Mitochondrial complex I deficiency, nuclear type 1. Last evaluated: 2018-01-13. Review status: criteria provided, single submitter. Criteria: ICSL Variant Classification Criteria 13 December 2019. Collection method: clinical testing. Allele origin: germline.

Illumina Laboratory Services, Illumina
Classification: Uncertain significance for Leigh syndrome. Last evaluated: 2018-01-13. Review status: criteria provided, single submitter. Criteria: ICSL Variant Classification Criteria 13 December 2019. Collection method: clinical testing. Allele origin: germline.

NM_007103.4(NDUFV1):c.101C>T (p.Ser34Leu)

Gene: NDUFV1 (NADH:ubiquinone oxidoreductase core subunit V1; plus strand). Cytogenetic location: 11q13.2.
Variant type: single nucleotide variant.
Coding change: c.101C>T on transcript NM_007103.4 (MANE Select); coding-DNA position 101, C replaced by T.
Protein change: p.Ser34Leu; replaces serine 34 with leucine.
Molecular consequence: missense variant.
Genome position (GRCh38, 1-based): chr11:67,608,424, C>T. VCF-style: chr11-67608424-C-T. GRCh37 (hg19) VCF-style: chr11-67375895-C-T.
Other names: c.74C>T, p.Ser25Leu (NM_001166102.2); short protein forms S25L, S34L.
Identifiers: ClinVar variation 878347 (VCV000878347.6), dbSNP rs201727252, ClinGen allele CA6143079.